The following is an entry in ClinVar:

NM_000051.4(ATM):c.1522C>T (p.Leu508Phe)

Gene: ATM (ATM serine/threonine kinase; plus strand). Cytogenetic location: 11q22.3.
Variant type: single nucleotide variant.
Coding change: c.1522C>T on transcript NM_000051.4 (MANE Select); coding-DNA position 1522, C replaced by T.
Protein change: p.Leu508Phe; replaces leucine 508 with phenylalanine.
Molecular consequence: missense variant.
Genome position (GRCh38, 1-based): chr11:108,250,987, C>T. VCF-style: chr11-108250987-C-T. GRCh37 (hg19) VCF-style: chr11-108121714-C-T.
Other names: c.1522C>T, p.Leu508Phe (NM_001351834.2); short protein forms L508F.
Identifiers: ClinVar variation 444270 (VCV000444270.61), dbSNP rs1011518082, ClinGen allele CA228391092.

ClinVar aggregate classification (germline): Uncertain significance. Review status: criteria provided, multiple submitters, no conflicts (2 of 4 stars). 5 submissions from 5 submitters: Uncertain significance (4). 1 of the submissions does not count toward it. Last evaluated 2025-11-11.

Conditions:
Hereditary cancer-predisposing syndrome. Also called: Hereditary neoplastic syndrome; Tumor predisposition; Hereditary Cancer Syndrome; Neoplastic Syndromes, Hereditary. Identifiers: Orphanet 140162, MedGen C0027672, MeSH D009386, MONDO:0015356.
Ataxia-telangiectasia syndrome (AT). Also called: Ataxia telangiectasia (A-T); Cerebello-oculocutaneous telangiectasia; Immunodeficiency with ataxia telangiectasia; ATAXIA-TELANGIECTASIA, COMPLEMENTATION GROUP A; ATAXIA-TELANGIECTASIA, FRESNO VARIANT; Ataxia-telangiectasia. Identifiers: Orphanet 100, MedGen C0004135, MONDO:0008840, OMIM 208900.

Allele frequency attached by ClinVar (database versions not stated): gnomAD exomes below 0.00001.

Submissions (5):

Labcorp Genetics (formerly Invitae), Labcorp
Classification: Uncertain significance for Ataxia-telangiectasia syndrome. Last evaluated: 2025-11-11. Review status: criteria provided, single submitter. Criteria: Invitae Variant Classification Sherloc (09022015). Collection method: clinical testing. Allele origin: germline.
Comment: This sequence change replaces leucine, which is neutral and non-polar, with phenylalanine, which is neutral and non-polar, at codon 508 of the ATM protein (p.Leu508Phe). This variant is not present in population databases (gnomAD no frequency). This missense change has been observed in individual(s) with uveal melanoma (PMID: 29769598). ClinVar contains an entry for this variant (Variation ID: 444270). Invitae Evidence Modeling of protein sequence and biophysical properties (such as structural, functional, and spatial information, amino acid conservation, physicochemical variation, residue mobility, and thermodynamic stability) indicates that this missense variant is not expected to disrupt ATM protein function with a negative predictive value of 95%. In summary, the available evidence is currently insufficient to determine the role of this variant in disease. Therefore, it has been classified as a Variant of Uncertain Significance.

Ambry Genetics
Classification: Uncertain significance for Hereditary cancer-predisposing syndrome. Last evaluated: 2025-10-22. Review status: criteria provided, single submitter. Criteria: Ambry Variant Classification Scheme 2023. Collection method: clinical testing. Allele origin: germline.
Comment: The p.L508F variant (also known as c.1522C>T), located in coding exon 9 of the ATM gene, results from a C to T substitution at nucleotide position 1522. The leucine at codon 508 is replaced by phenylalanine, an amino acid with highly similar properties. This amino acid position is well conserved in available vertebrate species. In addition, this alteration is predicted to be tolerated by in silico analysis. Since supporting evidence is limited at this time, the clinical significance of this alteration remains unclear.

Color Diagnostics, LLC DBA Color Health
Classification: Uncertain significance for Hereditary cancer-predisposing syndrome. Last evaluated: 2021-12-14. Review status: criteria provided, single submitter. Criteria: ACMG Guidelines, 2015. Collection method: clinical testing. Allele origin: germline.
Comment: This missense variant replaces leucine with phenylalanine at codon 508 of the ATM protein. Computational prediction suggests that this variant may not impact protein structure and function (internally defined REVEL score threshold <= 0.5, PMID: 27666373). To our knowledge, functional studies have not been reported for this variant. This variant has been reported in an individual affected with uveal melanoma (PMID: 29769598). This variant has not been identified in the general population by the Genome Aggregation Database (gnomAD). The available evidence is insufficient to determine the role of this variant in disease conclusively. Therefore, this variant is classified as a Variant of Uncertain Significance.

CeGaT Center for Human Genetics Tuebingen
Classification: Uncertain significance. Last evaluated: 2017-02-01. Review status: criteria provided, single submitter. Criteria: CeGaT Center For Human Genetics Tuebingen Variant Classification Criteria Version 2. Collection method: clinical testing. Allele origin: germline. Affected: yes. Observed: 1 variant allele.

Natera, Inc.
Classification: Uncertain significance for Ataxia-telangiectasia. Last evaluated: 2021-03-29. Review status: no assertion criteria provided. Collection method: clinical testing. Allele origin: germline. Not counted in ClinVar's aggregate classification.

Literature cited by the submitters: PubMed 29769598 (cited by Labcorp Genetics (formerly Invitae), Labcorp and Color Diagnostics, LLC DBA Color Health).